The following is an entry in ClinVar:

NM_020821.3(VPS13C):c.5703G>C (p.Glu1901Asp)

Gene: VPS13C (vacuolar protein sorting 13 homolog C; minus strand). Cytogenetic location: 15q22.2.
Variant type: single nucleotide variant.
Coding change: c.5703G>C on transcript NM_020821.3 (MANE Select); coding-DNA position 5703, G replaced by C.
Protein change: p.Glu1901Asp; replaces glutamic acid 1901 with aspartic acid.
Molecular consequence: missense variant.
Genome position (GRCh38, 1-based): chr15:61,936,649, C>G on the plus strand (G>C on the coding strand, the complement: VPS13C is on the minus strand). VCF-style: chr15-61936649-C-G. GRCh37 (hg19) VCF-style: chr15-62228848-C-G.
Other names: p.Glu1901Asp; c.5703G>C, p.Glu1901Asp (NM_001018088.3); c.5574G>C, p.Glu1858Asp (NM_017684.5, NM_018080.4); short protein forms E1858D, E1901D.
Identifiers: ClinVar variation 2205541 (VCV002205541.3), dbSNP rs538854121, ClinGen allele CA7595760.

ClinVar aggregate classification (germline): Uncertain significance. Review status: criteria provided, multiple submitters, no conflicts (2 of 4 stars). 2 submissions from 2 submitters: Uncertain significance (2). Last evaluated 2024-08-14.

Conditions:
Inborn genetic diseases. Identifiers: MedGen C0950123, MeSH D030342.

Allele frequency attached by ClinVar (database versions not stated): gnomAD 0.00003; gnomAD exomes 0.00003; ExAC 0.00006; TOPMed 0.00009; 1000 Genomes Project 0.00040; 1000 Genomes Project 30x 0.00047.
gnomAD v4.1: 47 of 1,610,914 alleles (0.0029%); highest among the groups gnomAD compares: Admixed American, 0.03%; no homozygotes.

Submissions (2):

Mayo Clinic Laboratories, Mayo Clinic
Classification: Uncertain significance. Last evaluated: 2024-08-14. Review status: criteria provided, single submitter. Criteria: ACMG Guidelines, 2015. Collection method: clinical testing. Allele origin: germline. Observed: 1 variant allele.
Comment: BP4

Ambry Genetics
Classification: Uncertain significance for Inborn genetic diseases. Last evaluated: 2020-12-02. Review status: criteria provided, single submitter. Criteria: Ambry Variant Classification Scheme 2023. Collection method: clinical testing. Allele origin: germline.
Comment: The c.5703G>C (p.E1901D) alteration is located in exon 48 (coding exon 48) of the VPS13C gene. This alteration results from a G to C substitution at nucleotide position 5703, causing the glutamic acid (E) at amino acid position 1901 to be replaced by an aspartic acid (D). The p.E1901D alteration is predicted to be tolerated by in silico analysis. Based on insufficient or conflicting evidence, the clinical significance of this alteration remains unclear.